The following is an entry in ClinVar:

NM_000044.6(AR):c.1341T>A (p.Tyr447Ter)

Gene: AR (androgen receptor; plus strand). Cytogenetic location: Xq12.
Variant type: single nucleotide variant.
Coding change: c.1341T>A on transcript NM_000044.6 (MANE Select); coding-DNA position 1341, T replaced by A.
Protein change: p.Tyr447Ter; replaces tyrosine 447 with a stop codon.
Molecular consequence: nonsense. On other transcripts: 5 prime UTR variant (1).
Genome position (GRCh38, 1-based): chrX:67,546,487, T>A. VCF-style: chrX-67546487-T-A. GRCh37 (hg19) VCF-style: chrX-66766329-T-A.
Other names: c.-443T>A (NM_001011645.3); c.1341T>A, p.Tyr447Ter (NM_001348061.1, NM_001348063.1, NM_001348064.1); short protein forms Y447*.
Identifiers: ClinVar variation 2674670 (VCV002674670.1), dbSNP rs2519610009, ClinGen allele CA413427055.

ClinVar aggregate classification (germline): Likely pathogenic (1 of 4 stars; one submission).

Conditions:
Androgen resistance syndrome (AIS). Also called: ANDROGEN RECEPTOR DEFICIENCY; DIHYDROTESTOSTERONE RECEPTOR DEFICIENCY; TESTICULAR FEMINIZATION SYNDROME; Androgen insensitivity syndrome; Androgen insensitivity; Androgen insensitivity, complete. Identifiers: Orphanet 754, Orphanet 99429, MedGen C0039585, MONDO:0019154, OMIM 300068. Disease mechanism: loss of function.

Submission:

Clinical Biochemistry Laboratory, Health Services Laboratory
Classification: Likely pathogenic for Androgen resistance syndrome. Last evaluated: 2023-11-20. Review status: criteria provided, single submitter. Criteria: ACMG Guidelines, 2015. Collection method: clinical testing. Allele origin: germline. Affected: yes.
Comment: ACMG:PVS1 PM2